The following is an entry in ClinVar:

ClinVar aggregate classification (germline): Benign. Review status: criteria provided, single submitter (1 of 4 stars). 2 submissions from 2 submitters: Benign (1). 1 of the submissions does not count toward it.

Allele frequency attached by ClinVar (database versions not stated): ESP Exome Variant Server 0.83431; gnomAD 0.83966; TOPMed 0.85111; 1000 Genomes Project 0.86122; 1000 Genomes Project 30x 0.86352.
gnomAD v4.1: 1,301,205 of 1,613,246 alleles (81%); highest among the groups gnomAD compares: Admixed American, 91%; 526,451 homozygotes.

Submissions (2):

Breakthrough Genomics
Classification: Benign. Review status: criteria provided, single submitter. Criteria: ACMG Guidelines, 2015. Collection method: not provided. Allele origin: germline. Inheritance: Autosomal dominant inheritance. Affected: yes.

Genetic Services Laboratory, University of Chicago
Classification: Likely benign for AllHighlyPenetrant. Review status: no assertion criteria provided. Collection method: clinical testing. Allele origin: germline. Inheritance: Autosomal dominant inheritance. Not counted in ClinVar's aggregate classification.
Comment: Likely benign based on allele frequency in 1000 Genomes Project or ESP global frequency and its presence in a patient with a rare or unrelated disease phenotype. NOT Sanger confirmed.

NM_006392.4(NOP56):c.105T>C (p.Ser35=)

Genes: NOP56 (NOP56 ribonucleoprotein; plus strand), LOC130065309 (ATAC-STARR-seq lymphoblastoid active region 17470; plus strand). Cytogenetic location: 20p13.
Variant type: single nucleotide variant.
Coding change: c.105T>C on transcript NM_006392.4 (MANE Select); coding-DNA position 105, T replaced by C.
Protein change: p.Ser35=; no amino-acid change (serine 35 retained).
Molecular consequence: synonymous variant. On other transcripts: non-coding transcript variant (2).
Genome position (GRCh38, 1-based): chr20:2,653,290, T>C. VCF-style: chr20-2653290-T-C. GRCh37 (hg19) VCF-style: chr20-2633936-T-C.
Identifiers: ClinVar variation 129807 (VCV000129807.7), dbSNP rs2073194, ClinGen allele CA154130.